The following is an entry in ClinVar:

NM_001008537.3(NEXMIF):c.322G>A (p.Gly108Ser)

Gene: NEXMIF (neurite extension and migration factor; minus strand). Cytogenetic location: Xq13.3.
Variant type: single nucleotide variant.
Coding change: c.322G>A on transcript NM_001008537.3 (MANE Select); coding-DNA position 322, G replaced by A.
Protein change: p.Gly108Ser; replaces glycine 108 with serine.
Molecular consequence: missense variant.
Genome position (GRCh38, 1-based): chrX:74,744,235, C>T on the plus strand (G>A on the coding strand, the complement: NEXMIF is on the minus strand). VCF-style: chrX-74744235-C-T. GRCh37 (hg19) VCF-style: chrX-73964070-C-T.
Other names: short protein forms G108S.
Identifiers: ClinVar variation 3233490 (VCV003233490.2), dbSNP rs1399619958, ClinGen allele CA413673848.

ClinVar aggregate classification (germline): Likely benign (1 of 4 stars; one submission).

Allele frequency attached by ClinVar (database versions not stated): TOPMed below 0.00001; gnomAD 0.00001; gnomAD exomes 0.00001.
gnomAD v4.1: 11 of 1,209,542 alleles (0.00091%); highest among the groups gnomAD compares: Non-Finnish European, 0.0012%; no homozygotes.

Submission:

Women's Health and Genetics/Laboratory Corporation of America, LabCorp
Classification: Likely benign. Last evaluated: 2024-03-12. Review status: criteria provided, single submitter. Criteria: LabCorp Variant Classification Summary - May 2015. Collection method: clinical testing. Allele origin: germline.
Comment: Variant summary: NEXMIF c.322G>A (p.Gly108Ser) results in a non-conservative amino acid change in the encoded protein sequence. Three of five in-silico tools predict a benign effect of the variant on protein function. The variant allele was found at a frequency of 9.1e-06 in 1209542 control chromosomes including 4 hemizygotes (gnomAD database v4.0.0), suggesting a benign role for this variant. To our knowledge, no occurrence of c.322G>A in individuals affected with Intellectual Developmental Disorder, X-Linked 98 and no experimental evidence demonstrating its impact on protein function have been reported. No submitters have cited clinical-significance assessments for this variant to ClinVar. Based on the evidence outlined above, the variant was classified as likely benign.